The following is an entry in ClinVar:

ClinVar aggregate classification (germline): Benign. Review status: criteria provided, multiple submitters, no conflicts (2 of 4 stars). 4 submissions from 4 submitters: Benign (4). Last evaluated 2026-02-04.

Conditions:
Retinal dystrophy. Also called: Inherited retinal dystrophy. Identifiers: Orphanet 71862, MedGen C0854723, MeSH D058499, MONDO:0019118, HP:0000556.
Retinitis pigmentosa (RP). Identifiers: Orphanet 791, MedGen C0035334, MeSH D012174, MONDO:0019200, OMIM 268000. Inheritance: Autosomal dominant, autosomal recessive and X linked inheritance.

Allele frequency attached by ClinVar (database versions not stated): 1000 Genomes Project 0.04832; 1000 Genomes Project 30x 0.05075; TOPMed 0.05792; ESP Exome Variant Server 0.05985; gnomAD 0.06391.
gnomAD v4.1: 81,415 of 1,614,122 alleles (5%); highest among the groups gnomAD compares: African/African-American, 8.6%; 2,341 homozygotes.

Submissions (4):

Labcorp Genetics (formerly Invitae), Labcorp
Classification: Benign. Last evaluated: 2026-02-04. Review status: criteria provided, single submitter. Criteria: Invitae Variant Classification Sherloc (09022015). Collection method: clinical testing. Allele origin: germline.

Dept Of Ophthalmology, Nagoya University
Classification: Benign for Retinal dystrophy. Last evaluated: 2023-10-01. Review status: criteria provided, single submitter. Criteria: Submitter's publication. Collection method: research. Allele origin: germline. Affected: yes.

Illumina Laboratory Services, Illumina
Classification: Benign for Retinitis pigmentosa. Last evaluated: 2018-01-13. Review status: criteria provided, single submitter. Criteria: ICSL Variant Classification Criteria 13 December 2019. Collection method: clinical testing. Allele origin: germline.
Comment: This variant was observed in the ICSL laboratory as part of a predisposition screen in an ostensibly healthy population. It had not been previously curated by ICSL or reported in the Human Gene Mutation Database (HGMD: prior to June 1st, 2018), and was therefore a candidate for classification through an automated scoring system. Utilizing variant allele frequency, disease prevalence and penetrance estimates, and inheritance mode, an automated score was calculated to assess if this variant is too frequent to cause the disease. Based on the score and internal cut-off values, a variant classified as benign is not then subjected to further curation. The score for this variant resulted in a classification of benign for this disease.

Breakthrough Genomics
Classification: Benign. Review status: criteria provided, single submitter. Criteria: ACMG Guidelines, 2015. Collection method: not provided. Allele origin: germline. Inheritance: Autosomal recessive inheritance. Affected: yes.

NM_001297.5(CNGB1):c.1950G>C (p.Pro650=)

Gene: CNGB1 (cyclic nucleotide gated channel subunit beta 1; minus strand). Cytogenetic location: 16q21.
Variant type: single nucleotide variant.
Coding change: c.1950G>C on transcript NM_001297.5 (MANE Select); coding-DNA position 1950, G replaced by C.
Protein change: p.Pro650=; no amino-acid change (proline 650 retained).
Molecular consequence: synonymous variant.
Genome position (GRCh38, 1-based): chr16:57,919,106, C>G on the plus strand (G>C on the coding strand, the complement: CNGB1 is on the minus strand). VCF-style: chr16-57919106-C-G. GRCh37 (hg19) VCF-style: chr16-57953010-C-G.
Other names: c.1932G>C, p.Pro644= (NM_001286130.2).
Identifiers: ClinVar variation 320084 (VCV000320084.15), dbSNP rs35424571, ClinGen allele CA8083236.